The following is an entry in ClinVar:

NM_003722.5(TP63):c.562A>G (p.Lys188Glu)

Gene: TP63 (tumor protein p63; plus strand). Cytogenetic location: 3q28.
Variant type: single nucleotide variant.
Coding change: c.562A>G on transcript NM_003722.5 (MANE Select); coding-DNA position 562, A replaced by G.
Protein change: p.Lys188Glu; replaces lysine 188 with glutamic acid.
Molecular consequence: missense variant. On other transcripts: intron variant (2).
Genome position (GRCh38, 1-based): chr3:189,808,509, A>G. VCF-style: chr3-189808509-A-G. GRCh37 (hg19) VCF-style: chr3-189526298-A-G.
Other names: c.562A>G, p.Lys188Glu (NM_001114978.2, NM_001114979.2, NM_001329144.2 and 1 more transcripts); c.280A>G, p.Lys94Glu (NM_001114980.2, NM_001114981.2, NM_001114982.2 and 2 more transcripts); c.556A>G, p.Lys186Glu (NM_001329964.2); c.42+18667A>G (NM_001329146.2, NM_001329150.2); short protein forms K186E, K188E, K94E.
Identifiers: ClinVar variation 4891233 (VCV004891233.1).

ClinVar aggregate classification (germline): Pathogenic (1 of 4 stars; one submission).

Conditions:
Split hand-foot malformation 4. Also called: Split-Hand/Foot Malformation Type 4 (SHFM4 syndrome); Split-Hand/Foot Malformation Type 4 (SHFM4). Identifiers: Orphanet 2440, MedGen C1854442, MONDO:0011535, OMIM 605289.

Submission:

Center for Medical Genetics, MOE Key Lab of Rare Pediatric Diseases, Hunan Key Laboratory of Medical Genetics & Hunan Key Laboratory of Animal Models for Human Disease, School of Life Sciences, Central South University
Classification: Pathogenic for Split hand-foot malformation 4. Last evaluated: 2025-08-12. Review status: criteria provided, single submitter. Criteria: ACMG Guidelines, 2015. Collection method: research. Allele origin: germline. Inheritance: Autosomal dominant inheritance. Affected: yes. Observed: 1 variant allele, 1 heterozygote.
Comment: This variant affects a highly conserved residue within the DNA-binding domain of TP63 and was not observed in population databases. In silico analyses consistently predict a damaging effect, including a REVEL score of 0.894, a PolyPhen-2 score of 1.000, and a SIFT score of 0. Functional analysis demonstrated that the p.Lys188Glu variant reduced ΔNp63α-mediated transcriptional activation of the DLX5 promoter compared with the wild-type protein, while retaining partial transcriptional activity. These findings suggest that the p.Lys188Glu substitution impairs TP63 function and may contribute to abnormal limb development. Considering the variant’s rarity, its location in the functionally important DNA-binding domain, computational evidence, and functional evidence, the variant is classified as pathogenic according to ACMG/AMP criteria.